The following is an entry in ClinVar:

NM_000256.3(MYBPC3):c.371C>T (p.Ala124Val)

Gene: MYBPC3 (myosin binding protein C3; minus strand). Cytogenetic location: 11p11.2.
Variant type: single nucleotide variant.
Coding change: c.371C>T on transcript NM_000256.3 (MANE Select); coding-DNA position 371, C replaced by T.
Protein change: p.Ala124Val; replaces alanine 124 with valine.
Molecular consequence: missense variant.
Genome position (GRCh38, 1-based): chr11:47,350,537, G>A on the plus strand (C>T on the coding strand, the complement: MYBPC3 is on the minus strand). VCF-style: chr11-47350537-G-A. GRCh37 (hg19) VCF-style: chr11-47372088-G-A.
Other names: short protein forms A124V.
Identifiers: ClinVar variation 2785133 (VCV002785133.3), dbSNP rs2495783544, ClinGen allele CA380340536.

ClinVar aggregate classification (germline): Uncertain significance (1 of 4 stars; one submission).

Conditions:
Hypertrophic cardiomyopathy. Also called: HYPERTROPHIC MYOCARDIOPATHY. Identifiers: Orphanet 217569, MedGen C0007194, MeSH D002312, MONDO:0005045, HP:0001639.

Submission:

Labcorp Genetics (formerly Invitae), Labcorp
Classification: Uncertain significance for Hypertrophic cardiomyopathy. Last evaluated: 2023-04-22. Review status: criteria provided, single submitter. Criteria: Invitae Variant Classification Sherloc (09022015). Collection method: clinical testing. Allele origin: germline.
Comment: In summary, the available evidence is currently insufficient to determine the role of this variant in disease. Therefore, it has been classified as a Variant of Uncertain Significance. An algorithm developed to predict the effect of missense changes on protein structure and function (PolyPhen-2) suggests that this variant is likely to be tolerated. This variant has not been reported in the literature in individuals affected with MYBPC3-related conditions. This variant is not present in population databases (gnomAD no frequency). This sequence change replaces alanine, which is neutral and non-polar, with valine, which is neutral and non-polar, at codon 124 of the MYBPC3 protein (p.Ala124Val).